The following is an entry in ClinVar:

ClinVar aggregate classification (germline): Uncertain significance. Review status: criteria provided, multiple submitters, no conflicts (2 of 4 stars). 3 submissions from 3 submitters: Uncertain significance (3). Last evaluated 2026-01-04.

Conditions:
Cardiovascular phenotype. Identifiers: MedGen CN230736.
Brugada syndrome 8 (BRGDA8). Identifiers: Orphanet 130, MedGen C2751083, MONDO:0013148, OMIM 613123.

Allele frequency attached by ClinVar (database versions not stated): gnomAD 0.00001; gnomAD exomes 0.00002; TOPMed 0.00002.
gnomAD v4.1: 9 of 1,532,900 alleles (0.00059%); highest among the groups gnomAD compares: East Asian, 0.0026%; no homozygotes.

Submissions (3):

Labcorp Genetics (formerly Invitae), Labcorp
Classification: Uncertain significance for Brugada syndrome 8. Last evaluated: 2026-01-04. Review status: criteria provided, single submitter. Criteria: Invitae Variant Classification Sherloc (09022015). Collection method: clinical testing. Allele origin: germline.
Comment: This sequence change replaces aspartic acid, which is acidic and polar, with asparagine, which is neutral and polar, at codon 31 of the HCN4 protein (p.Asp31Asn). This variant is not present in population databases (gnomAD no frequency). This variant has not been reported in the literature in individuals affected with HCN4-related conditions. ClinVar contains an entry for this variant (Variation ID: 1520605). Invitae Evidence Modeling of protein sequence and biophysical properties (such as structural, functional, and spatial information, amino acid conservation, physicochemical variation, residue mobility, and thermodynamic stability) indicates that this missense variant is not expected to disrupt HCN4 protein function with a negative predictive value of 95%. In summary, the available evidence is currently insufficient to determine the role of this variant in disease. Therefore, it has been classified as a Variant of Uncertain Significance.

Ambry Genetics
Classification: Uncertain significance for Cardiovascular phenotype. Last evaluated: 2025-03-14. Review status: criteria provided, single submitter. Criteria: Ambry Variant Classification Scheme 2023. Collection method: clinical testing. Allele origin: germline.
Comment: The p.D31N variant (also known as c.91G>A), located in coding exon 1 of the HCN4 gene, results from a G to A substitution at nucleotide position 91. The aspartic acid at codon 31 is replaced by asparagine, an amino acid with highly similar properties. This amino acid position is conserved. In addition, this alteration is predicted to be tolerated by in silico analysis. Since supporting evidence is limited at this time, the clinical significance of this alteration remains unclear.

GeneDx
Classification: Uncertain significance. Last evaluated: 2022-11-25. Review status: criteria provided, single submitter. Criteria: GeneDx Variant Classification Process June 2021. Collection method: clinical testing. Allele origin: germline. Affected: yes.
Comment: Has not been previously published as pathogenic or benign to our knowledge; Not observed at significant frequency in large population cohorts (gnomAD); In silico analysis supports that this missense variant does not alter protein structure/function

NM_005477.3(HCN4):c.91G>A (p.Asp31Asn)

Gene: HCN4 (hyperpolarization activated cyclic nucleotide gated potassium channel 4; minus strand). Cytogenetic location: 15q24.1.
Variant type: single nucleotide variant.
Coding change: c.91G>A on transcript NM_005477.3 (MANE Select); coding-DNA position 91, G replaced by A.
Protein change: p.Asp31Asn; replaces aspartic acid 31 with asparagine.
Molecular consequence: missense variant.
Genome position (GRCh38, 1-based): chr15:73,368,180, C>T on the plus strand (G>A on the coding strand, the complement: HCN4 is on the minus strand). VCF-style: chr15-73368180-C-T. GRCh37 (hg19) VCF-style: chr15-73660521-C-T.
Other names: short protein forms D31N.
Identifiers: ClinVar variation 1520605 (VCV001520605.9), dbSNP rs757500423, ClinGen allele CA7649506.